The following is an entry in ClinVar:

NC_000018.9:g.(?_21140312)_(21141981_?)del

Gene: NPC1 (NPC intracellular cholesterol transporter 1; minus strand). Cytogenetic location: 18q11.2.
Variant type: Deletion.
Identifiers: ClinVar variation 3242771 (VCV003242771.1).

ClinVar aggregate classification (germline): Pathogenic (1 of 4 stars; one submission).

Conditions:
Niemann-Pick disease, type C1. Also called: NEUROVISCERAL STORAGE DISEASE WITH VERTICAL SUPRANUCLEAR OPHTHALMOPLEGIA; NIEMANN-PICK DISEASE WITH CHOLESTEROL ESTERIFICATION BLOCK; NIEMANN-PICK DISEASE WITHOUT SPHINGOMYELINASE DEFICIENCY; NIEMANN-PICK DISEASE, CHRONIC NEURONOPATHIC FORM; NIEMANN-PICK DISEASE, VARIANT TYPE C1. Identifiers: Orphanet 646, MedGen C3179455, MONDO:0009757, OMIM 257220.

Submission:

Labcorp Genetics (formerly Invitae), Labcorp
Classification: Pathogenic for Niemann-Pick disease, type C1. Last evaluated: 2020-06-19. Review status: criteria provided, single submitter. Criteria: Invitae Variant Classification Sherloc (09022015). Collection method: clinical testing. Allele origin: unknown.
Comment: For these reasons, this variant has been classified as Pathogenic. Loss-of-function variants in NPC1 are known to be pathogenic (PMID: 9211850). This variant disrupts the p.Ser230 and p.Val231 amino acid residues in NPC1. Other variant(s) that disrupt this combination of residues have been determined to be pathogenic (PMID: 11349231, 19744920, 26666848). This suggests that this residue is clinically significant, and that variants that disrupt this residue are likely to be disease-causing. This variant has not been reported in the literature in individuals with NPC1-related conditions. This variant results in the deletion of exon 5 and part of exon 6 (c.464-490_764del) of the NPC1 gene. It is expected to disrupt RNA splicing and likely results in an absent or disrupted protein product.

Literature cited by the submitters: PubMed 9211850; PubMed 11349231; PubMed 19744920; PubMed 26666848.